The following is an entry in ClinVar:

NM_000342.4(SLC4A1):c.2584G>A (p.Val862Ile)

Gene: SLC4A1 (solute carrier family 4 member 1 (Diego blood group); minus strand). Cytogenetic location: 17q21.31.
Variant type: single nucleotide variant.
Coding change: c.2584G>A on transcript NM_000342.4 (MANE Select); coding-DNA position 2584, G replaced by A.
Protein change: p.Val862Ile; replaces valine 862 with isoleucine.
Molecular consequence: missense variant.
Genome position (GRCh38, 1-based): chr17:44,251,230, C>T on the plus strand (G>A on the coding strand, the complement: SLC4A1 is on the minus strand). VCF-style: chr17-44251230-C-T. GRCh37 (hg19) VCF-style: chr17-42328598-C-T.
Other names: short protein forms V862I.
Identifiers: ClinVar variation 255911 (VCV000255911.32), dbSNP rs5026, ClinGen allele CA8599996.
Genomic context (GRCh38, chr17:44,251,230, plus strand): 5'-CCACGTTCCTGAAGATGAGCGGCAGCAGGACGCGCCGCAGCGGCACAGTGAGGATGAGGA[C>T]GAAGGGCAGGGCCAGGGAGGCCGGCGTGGACTTCACCACCCACAGCACTGCCAGGCAGAT-3'
Protein context (NP_000333.1, residues 852-872): STPASLALPF[Val862Ile]LILTVPLRRV

ClinVar aggregate classification (germline): Benign. Review status: criteria provided, multiple submitters, no conflicts (2 of 4 stars). 9 submissions from 7 submitters: Benign (9). Last evaluated 2026-01-28.

Conditions:
Hereditary spherocytosis type 4. Also called: SLC4A1-Related Spherocytosis. Identifiers: Orphanet 822, MedGen C2675212, MONDO:0012981, OMIM 612653.
Hemolytic anemia. Identifiers: MedGen C0002878, MONDO:0003664, HP:0001878.
Autosomal dominant distal renal tubular acidosis (DRTA1). Also called: Renal Tubular Acidosis, Type I; RENAL TUBULAR ACIDOSIS, DISTAL, 1; RTA, CLASSIC TYPE; RTA, DISTAL TYPE, AUTOSOMAL DOMINANT; RTA, GRADIENT TYPE. Identifiers: Orphanet 93608, MedGen CN280572, MONDO:0008368, OMIM 179800.

Allele frequency attached by ClinVar (database versions not stated): gnomAD exomes 0.00725; ExAC 0.00937; gnomAD 0.02762 and 0.02980; 1000 Genomes Project 0.02796; 1000 Genomes Project 30x 0.02858; TOPMed 0.03235; ESP Exome Variant Server 0.03252.
gnomAD v4.1: 8,205 of 1,614,054 alleles (0.51%); highest among the groups gnomAD compares: African/African-American, 9.6%; 350 homozygotes.

Submissions (9):

Labcorp Genetics (formerly Invitae), Labcorp
Classification: Benign. Last evaluated: 2026-01-28. Review status: criteria provided, single submitter. Criteria: Invitae Variant Classification Sherloc (09022015). Collection method: clinical testing. Allele origin: germline.

ARUP Laboratories, Molecular Genetics and Genomics, ARUP Laboratories
Classification: Benign. Last evaluated: 2025-03-05. Review status: criteria provided, single submitter. Criteria: ARUP Molecular Germline Variant Investigation Process 2024. Collection method: clinical testing. Allele origin: germline.

Mayo Clinic Laboratories, Mayo Clinic
Classification: Benign. Last evaluated: 2023-04-10. Review status: criteria provided, single submitter. Criteria: ACMG Guidelines, 2015. Collection method: clinical testing. Allele origin: germline. Observed: 84 variant alleles.

GeneDx
Classification: Benign. Last evaluated: 2020-09-11. Review status: criteria provided, single submitter. Criteria: GeneDx Variant Classification Process June 2021. Collection method: clinical testing. Allele origin: germline. Affected: yes.

Illumina Laboratory Services, Illumina
Classification: Benign for Hemolytic anemia. Last evaluated: 2018-01-13. Review status: criteria provided, single submitter. Criteria: ICSL Variant Classification Criteria 13 December 2019. Collection method: clinical testing. Allele origin: germline.
Comment: This variant was observed in the ICSL laboratory as part of a predisposition screen in an ostensibly healthy population. It had not been previously curated by ICSL or reported in the Human Gene Mutation Database (HGMD: prior to June 1st, 2018), and was therefore a candidate for classification through an automated scoring system. Utilizing variant allele frequency, disease prevalence and penetrance estimates, and inheritance mode, an automated score was calculated to assess if this variant is too frequent to cause the disease. Based on the score and internal cut-off values, a variant classified as benign is not then subjected to further curation. The score for this variant resulted in a classification of benign for this disease.

Illumina Laboratory Services, Illumina
Classification: Benign for Autosomal dominant distal renal tubular acidosis. Last evaluated: 2018-01-13. Review status: criteria provided, single submitter. Criteria: ICSL Variant Classification Criteria 13 December 2019. Collection method: clinical testing. Allele origin: germline.
Comment: the same text as in the submission from Illumina Laboratory Services, Illumina above.

Illumina Laboratory Services, Illumina
Classification: Benign for Hereditary spherocytosis type 4. Last evaluated: 2018-01-13. Review status: criteria provided, single submitter. Criteria: ICSL Variant Classification Criteria 13 December 2019. Collection method: clinical testing. Allele origin: germline.
Comment: the same text as in the submission from Illumina Laboratory Services, Illumina above.

Breakthrough Genomics
Classification: Benign. Review status: criteria provided, single submitter. Criteria: ACMG Guidelines, 2015. Collection method: not provided. Allele origin: germline. Inheritance: Autosomal recessive inheritance. Affected: yes.

PreventionGenetics, part of Exact Sciences
Classification: Benign. Review status: criteria provided, single submitter. Criteria: ACMG Guidelines, 2015. Collection method: clinical testing. Allele origin: germline.